The following is an entry in ClinVar:

ClinVar aggregate classification (germline): Uncertain significance. Review status: criteria provided, multiple submitters, no conflicts (2 of 4 stars). 2 submissions from 2 submitters: Uncertain significance (2). Last evaluated 2024-03-14.

Conditions:
Severe intellectual disability-progressive spastic diplegia syndrome (NEDSDV). Also called: NEURODEVELOPMENTAL DISORDER WITH SPASTIC DIPLEGIA AND VISUAL DEFECTS; CTNNB1 Neurodevelopmental Disorder. Identifiers: Orphanet 404473, MedGen C3554449, MONDO:0014035, OMIM 615075.

Allele frequency attached by ClinVar (database versions not stated): gnomAD exomes below 0.00001; ExAC 0.00001.
gnomAD v4.1: 1 of 1,613,938 alleles (0.000062%); highest among the groups gnomAD compares: Admixed American, 0.0017%; no homozygotes.

Submissions (2):

Clinical Genomics Laboratory, Washington University in St. Louis
Classification: Uncertain significance for Severe intellectual disability-progressive spastic diplegia syndrome. Last evaluated: 2024-03-14. Review status: criteria provided, single submitter. Criteria: ACMG Guidelines, 2015. Collection method: clinical testing. Allele origin: germline.
Comment: A CTNNB1 c.614C>T (p.Thr205Ile) variant was identified at a near heterozygous allelic fraction of 48.8%, a frequency which may be consistent with germline origin. This variant occurs at a highly conserved base position and to our knowledge, has not been reported in the medical literature. It is only observed on 1/628,502 alleles in the general population (gnomAD v.4.0.0), indicating it is not a common variant. Computational predictors are uncertain as to the impact of this variant on CTNNB1 function. Due to limited information, and based on ACMG/AMP guidelines for variant interpretation (Richards S et al., PMID: 25741868), the clinical significance of this variant is uncertain at this time.

Labcorp Genetics (formerly Invitae), Labcorp
Classification: Uncertain significance. Last evaluated: 2023-07-21. Review status: criteria provided, single submitter. Criteria: Invitae Variant Classification Sherloc (09022015). Collection method: clinical testing. Allele origin: germline.
Comment: This sequence change replaces threonine, which is neutral and polar, with isoleucine, which is neutral and non-polar, at codon 205 of the CTNNB1 protein (p.Thr205Ile). This variant is present in population databases (rs769777389, gnomAD 0.003%). This variant has not been reported in the literature in individuals affected with CTNNB1-related conditions. Advanced modeling of protein sequence and biophysical properties (such as structural, functional, and spatial information, amino acid conservation, physicochemical variation, residue mobility, and thermodynamic stability) performed at Invitae indicates that this missense variant is expected to disrupt CTNNB1 protein function. In summary, the available evidence is currently insufficient to determine the role of this variant in disease. Therefore, it has been classified as a Variant of Uncertain Significance.

NM_001904.4(CTNNB1):c.614C>T (p.Thr205Ile)

Genes: CTNNB1 (catenin beta 1; plus strand), LOC126806658 (BRD4-independent group 4 enhancer GRCh37_chr3:41265899-41267098; plus strand). Cytogenetic location: 3p22.1.
Variant type: single nucleotide variant.
Coding change: c.614C>T on transcript NM_001904.4 (MANE Select); coding-DNA position 614, C replaced by T.
Protein change: p.Thr205Ile; replaces threonine 205 with isoleucine.
Molecular consequence: missense variant.
Genome position (GRCh38, 1-based): chr3:41,225,452, C>T. VCF-style: chr3-41225452-C-T. GRCh37 (hg19) VCF-style: chr3-41266943-C-T.
Other names: c.614C>T, p.Thr205Ile (NM_001098209.2, NM_001098210.2); c.593C>T, p.Thr198Ile (NM_001330729.2); short protein forms T198I, T205I.
Identifiers: ClinVar variation 2720939 (VCV002720939.4), dbSNP rs769777389, ClinGen allele CA2330951.